The following is an entry in ClinVar:

NM_020686.6(ABAT):c.1501_*2del (p.Ter501LysextTer?)

Gene: ABAT (4-aminobutyrate aminotransferase; plus strand). Cytogenetic location: 16p13.2.
Variant type: Deletion.
Coding change: c.1501_*2del on transcript NM_020686.6 (MANE Select); coding-DNA position 1501 through 2 bases downstream of the stop codon, 5 bases deleted (TAAAG; older notation c.1501_*2delTAAAG).
Protein change: p.Ter501LysextTer?.
Molecular consequence: frameshift variant, stop lost. On other transcripts: 3 prime UTR variant (2).
Genome position (GRCh38, 1-based): chr16:8,781,428-8,781,432, TAAAG deleted; deleting any 5 consecutive bases within chr16:8,781,425-8,781,432 gives the same sequence; the c. name uses the placement nearest the transcript's 3' end. VCF-style (leftmost placement, unchanged base first): chr16-8781424-CAAGTA-C. GRCh37 (hg19) VCF-style: chr16-8875281-CAAGTA-C.
Other names: c.1501_*2del, p.Ter501LysextTer? (NM_000663.5, NM_001127448.2, NM_001386600.1 and 4 more transcripts); c.1462_*2del, p.Ter488LysextTer? (NM_001386605.1); c.1438_*2del, p.Ter480LysextTer? (NM_001386606.1, NM_001386607.1); c.1408_*2del, p.Ter470LysextTer? (NM_001386608.1); c.*12_*16del (NM_001386609.1, NM_001386616.1); c.1366_*2del, p.Ter456LysextTer? (NM_001386610.1, NM_001386611.1); c.1303_*2del, p.Ter435LysextTer? (NM_001386612.1, NM_001386613.1); c.1255_*2del, p.Ter419LysextTer? (NM_001386614.1); and 1 more.
Identifiers: ClinVar variation 594146 (VCV000594146.12), dbSNP rs756457894, ClinGen allele CA7893581.

ClinVar aggregate classification (germline): Uncertain significance. Review status: criteria provided, multiple submitters, no conflicts (2 of 4 stars). 2 submissions from 2 submitters: Uncertain significance (2). Last evaluated 2024-09-03.

Conditions:
Gamma-aminobutyric acid transaminase deficiency (GABATD). Also called: 4 alpha aminobutyrate transaminase deficiency; GABA aminotransaminase deficiency; GABA transaminase deficiency; Gamma aminobutyrate transaminase deficiency. Identifiers: Orphanet 2066, MedGen C0342708, MONDO:0013166, OMIM 613163.

Submissions (2):

Labcorp Genetics (formerly Invitae), Labcorp
Classification: Uncertain significance for Gamma-aminobutyric acid transaminase deficiency. Last evaluated: 2024-09-03. Review status: criteria provided, single submitter. Criteria: Invitae Variant Classification Sherloc (09022015). Collection method: clinical testing. Allele origin: germline.
Comment: This sequence change disrupts the translational stop signal of the ABAT mRNA. It is expected to extend the length of the ABAT protein by 6 additional amino acid residues. This variant is present in population databases (rs756457894, gnomAD 0.003%). This variant has not been reported in the literature in individuals affected with ABAT-related conditions. ClinVar contains an entry for this variant (Variation ID: 594146). Experimental studies and prediction algorithms are not available or were not evaluated, and the functional significance of this variant is currently unknown. In summary, the available evidence is currently insufficient to determine the role of this variant in disease. Therefore, it has been classified as a Variant of Uncertain Significance.

Eurofins Ntd Llc (ga)
Classification: Uncertain significance. Last evaluated: 2017-10-05. Review status: criteria provided, single submitter. Criteria: EGL Classification Definitions 2015. Collection method: clinical testing. Allele origin: germline. Observed: 1 variant allele, 1 heterozygote.